The following is an entry in ClinVar:

ClinVar aggregate classification (germline): Pathogenic (1 of 4 stars; one submission).

Submission:

GeneDx
Classification: Pathogenic. Last evaluated: 2023-01-25. Review status: criteria provided, single submitter. Criteria: GeneDx Variant Classification Process June 2021. Collection method: clinical testing. Allele origin: germline. Affected: yes.
Comment: Nonsense variant predicted to result in protein truncation or nonsense mediated decay in a gene for which loss-of-function is a known mechanism of disease; Has not been previously published as pathogenic or benign to our knowledge; Not observed in large population cohorts (gnomAD)

NM_001844.5(COL2A1):c.2962C>T (p.Gln988Ter)

Gene: COL2A1 (collagen type II alpha 1 chain; minus strand). Cytogenetic location: 12q13.11.
Variant type: single nucleotide variant.
Coding change: c.2962C>T on transcript NM_001844.5 (MANE Select); coding-DNA position 2962, C replaced by T.
Protein change: p.Gln988Ter; replaces glutamine 988 with a stop codon.
Molecular consequence: nonsense.
Genome position (GRCh38, 1-based): chr12:47,978,332, G>A on the plus strand (C>T on the coding strand, the complement: COL2A1 is on the minus strand). VCF-style: chr12-47978332-G-A. GRCh37 (hg19) VCF-style: chr12-48372115-G-A.
Other names: c.2755C>T, p.Gln919Ter (NM_033150.3); short protein forms Q919*, Q988*.
Identifiers: ClinVar variation 2412827 (VCV002412827.3), dbSNP rs2540111777, ClinGen allele CA384541260.